The following is an entry in ClinVar:

ClinVar aggregate classification (germline): Likely pathogenic (1 of 4 stars; one submission).

Allele frequency attached by ClinVar (database versions not stated): gnomAD exomes below 0.00001.
gnomAD v4.1: 1 of 1,613,624 alleles (0.000062%); highest among the groups gnomAD compares: Admixed American, 0.0017%; no homozygotes.

Submission:

Labcorp Genetics (formerly Invitae), Labcorp
Classification: Likely pathogenic. Last evaluated: 2023-11-04. Review status: criteria provided, single submitter. Criteria: Invitae Variant Classification Sherloc (09022015). Collection method: clinical testing. Allele origin: germline.
Comment: This sequence change affects a donor splice site in intron 7 of the TTC37 gene. It is expected to disrupt RNA splicing. Variants that disrupt the donor or acceptor splice site typically lead to a loss of protein function (PMID: 16199547), and loss-of-function variants in TTC37 are known to be pathogenic (PMID: 20176027, 21120949). This variant is not present in population databases (gnomAD no frequency). This variant has not been reported in the literature in individuals affected with TTC37-related conditions. Algorithms developed to predict the effect of sequence changes on RNA splicing suggest that this variant may disrupt the consensus splice site. In summary, the currently available evidence indicates that the variant is pathogenic, but additional data are needed to prove that conclusively. Therefore, this variant has been classified as Likely Pathogenic.

Literature cited by the submitters: PubMed 16199547; PubMed 20176027; PubMed 21120949.

NM_014639.4(SKIC3):c.402+1G>A

Gene: SKIC3 (SKI3 subunit of superkiller complex; minus strand). Cytogenetic location: 5q15.
Variant type: single nucleotide variant.
Coding change: c.402+1G>A on transcript NM_014639.4 (MANE Select); the canonical splice donor site of the intron after coding-DNA position 402, G replaced by A.
Molecular consequence: splice donor variant.
Genome position (GRCh38, 1-based): chr5:95,541,304, C>T on the plus strand (G>A on the coding strand, the complement: SKIC3 is on the minus strand). VCF-style: chr5-95541304-C-T. GRCh37 (hg19) VCF-style: chr5-94877008-C-T.
Identifiers: ClinVar variation 2803793 (VCV002803793.3), dbSNP rs2530804347, ClinGen allele CA360443649.
Genomic context (GRCh38, chr5:95,541,304, plus strand): 5'-GTGTGAGTCACCGCGCCCAGCCCATCTATTATTAAAAGAAGTCAGAAAATCATTCACCAA[C>T]CTCTAGGTGTTTCTTTTCTTGGTAATATAGATCCACAAGTTTCTTGCAGACATCACACCA-3'